The following is an entry in ClinVar:

ClinVar aggregate classification (germline): Benign/Likely benign. Review status: criteria provided, multiple submitters, no conflicts (2 of 4 stars). 4 submissions from 4 submitters: Benign (1); Likely benign (3). Last evaluated 2025-03-28.

Conditions:
Peutz-Jeghers syndrome (PJS). Also called: POLYPOSIS, HAMARTOMATOUS INTESTINAL; POLYPS-AND-SPOTS SYNDROME; Peutz-Jeghers polyposis; Periorificial lentiginosis syndrome. Identifiers: Orphanet 2869, MedGen C0031269, MeSH D010580, MONDO:0008280, OMIM 175200.
Hereditary cancer-predisposing syndrome. Also called: Hereditary Cancer Syndrome; Hereditary neoplastic syndrome; Tumor predisposition; Neoplastic Syndromes, Hereditary. Identifiers: Orphanet 140162, MedGen C0027672, MeSH D009386, MONDO:0015356.

Allele frequency attached by ClinVar (database versions not stated): TOPMed below 0.00001; ExAC 0.00001; ESP Exome Variant Server 0.00008.
gnomAD v4.1: 2 of 1,608,512 alleles (0.00012%); highest among the groups gnomAD compares: Non-Finnish European, 0.000085%; no homozygotes.

Submissions (4):

Myriad Genetics, Inc.
Classification: Benign for Peutz-Jeghers syndrome. Last evaluated: 2025-03-28. Review status: criteria provided, single submitter. Criteria: Myriad Autosomal Dominant, Autosomal Recessive and X-Linked Classification Criteria (2023). Collection method: clinical testing. Allele origin: unknown.
Comment: This variant is considered benign. This variant is a silent/synonymous amino acid change and it is not expected to impact splicing.

Ambry Genetics
Classification: Likely benign for Hereditary cancer-predisposing syndrome. Last evaluated: 2024-03-30. Review status: criteria provided, single submitter. Criteria: Ambry Variant Classification Scheme 2023. Collection method: clinical testing. Allele origin: germline.

All of Us Research Program, National Institutes of Health
Classification: Likely benign for Peutz-Jeghers syndrome. Last evaluated: 2023-10-06. Review status: criteria provided, single submitter. Criteria: ACMG Guidelines, 2015. Collection method: clinical testing. Allele origin: germline. Inheritance: Autosomal dominant inheritance. Observed: 1 variant allele, 1 heterozygote.
Comment: This study involves interpretation of variants in research participants for the purpose of population health screening. Participant phenotype was not available at the time of variant classification. Additional details can be found in publication PMID: 35346344, PMCID: PMC8962531

Color Diagnostics, LLC DBA Color Health
Classification: Likely benign for Hereditary cancer-predisposing syndrome. Last evaluated: 2021-11-16. Review status: criteria provided, single submitter. Criteria: ACMG Guidelines, 2015. Collection method: clinical testing. Allele origin: germline.

NM_000455.5(STK11):c.1014G>A (p.Val338=)

Genes: STK11 (serine/threonine kinase 11; plus strand), LOC130062899 (ATAC-STARR-seq lymphoblastoid active region 13597; plus strand). Cytogenetic location: 19p13.3.
Variant type: single nucleotide variant.
Coding change: c.1014G>A on transcript NM_000455.5 (MANE Select); coding-DNA position 1014, G replaced by A.
Protein change: p.Val338=; no amino-acid change (valine 338 retained).
Molecular consequence: synonymous variant. On other transcripts: non-coding transcript variant (1).
Genome position (GRCh38, 1-based): chr19:1,223,078, G>A. VCF-style: chr19-1223078-G-A. GRCh37 (hg19) VCF-style: chr19-1223077-G-A.
Other names: c.1014G>A, p.Val338= (NM_001407255.1).
Identifiers: ClinVar variation 2774543 (VCV002774543.5), dbSNP rs375462277, ClinGen allele CA044688.